The following is an entry in ClinVar:

ClinVar aggregate classification (germline): Uncertain significance (1 of 4 stars; one submission).

Conditions:
Nephrotic syndrome. Identifiers: MedGen C0027726, MONDO:0005377, HP:0000100.

Allele frequency attached by ClinVar (database versions not stated): gnomAD exomes below 0.00001; gnomAD 0.00003.
gnomAD v4.1: 5 of 1,614,064 alleles (0.00031%); highest among the groups gnomAD compares: Middle Eastern, 0.017%; no homozygotes.

Submission:

Victorian Clinical Genetics Services, Murdoch Childrens Research Institute
Classification: Uncertain significance for Nephrotic syndrome. Last evaluated: 2021-05-06. Review status: criteria provided, single submitter. Criteria: ACMG Guidelines, 2015. Collection method: clinical testing. Allele origin: germline. Inheritance: Autosomal recessive inheritance. Affected: yes.
Comment: Based on the classification scheme VCGS_Germline_v1.3.4, this variant is classified as VUS-3B. Following criteria are met: 0102 - Loss of function is a known mechanism of disease in this gene and is associated with nephrotic syndrome (PMID: 29773874). (I) 0106 - This gene is associated with autosomal recessive disease (PMID: 29773874). (I) 0200 - Variant is predicted to result in a missense amino acid change from leucine to valine. (I) 0252 - This variant is homozygous. (I) 0304 - Variant is present in gnomAD (v3) <0.01 for a recessive condition (2 heterozygotes, 0 homozygotes). (SP) 0502 - Missense variant with conflicting in silico predictions and uninformative conservation. (I) 0604 - Variant is not located in an established domain, motif, hotspot or informative constraint region. (I) 0705 - No comparable missense variants have previous evidence for pathogenicity. (I) 0807 - This variant has no previous evidence of pathogenicity. (I) 0905 - No published segregation evidence has been identified for this variant. (I) 1007 - No published functional evidence has been identified for this variant. (I) 1209 - This variant has been shown to be both maternally and paternally inherited (biallelic) (LABID). (I) Legend: (SP) - Supporting pathogenic, (I) - Information, (SB) - Supporting benign

Literature cited by the submitters: PubMed 29773874.

NM_003024.3(ITSN1):c.2122C>G (p.Leu708Val)

Gene: ITSN1 (intersectin 1; plus strand). Cytogenetic location: 21q22.11.
Variant type: single nucleotide variant.
Coding change: c.2122C>G on transcript NM_003024.3 (MANE Select); coding-DNA position 2122, C replaced by G.
Protein change: p.Leu708Val; replaces leucine 708 with valine.
Molecular consequence: missense variant.
Genome position (GRCh38, 1-based): chr21:33,797,548, C>G. VCF-style: chr21-33797548-C-G. GRCh37 (hg19) VCF-style: chr21-35169852-C-G.
Other names: c.2122C>G, p.Leu708Val (NM_001001132.2, NM_001331008.2, NM_001331009.2 and 2 more transcripts); c.2011C>G, p.Leu671Val (NM_001331012.2); short protein forms L671V, L708V.
Identifiers: ClinVar variation 1805881 (VCV001805881.1), dbSNP rs141317839, ClinGen allele CA320198218.